The following is an entry in ClinVar:

NM_000256.3(MYBPC3):c.2857_2858insCAGGGGCTGACAGAGCACACATCGATACTGGTGAAGGACCTGCCCACGGGGGCCCGGCTGCTTTTCCGAGTGCGGGCACACAATATGGCAGGGCCTGG (p.Gly953fs)

Gene: MYBPC3 (myosin binding protein C3; minus strand). Cytogenetic location: 11p11.2.
Variant type: Insertion.
Coding change: c.2857_2858insCAGGGGCTGACAGAGCACACATCGATACTGGTGAAGGACCTGCCCACGGGGGCCCGGCTGCTTTTCCGAGTGCGGGCACACAATATGGCAGGGCCTGG on transcript NM_000256.3 (MANE Select); coding-DNA positions 2857 to 2858, CAGGGGCTGACAGAGCACACATCGATACTGGTGAAGGACCTGCCCACGGGGGCCCGGCTGCTTTTCCGAGTGCGGGCACACAATATGGCAGGGCCTGG inserted.
Protein change: p.Gly953fs; shifts the reading frame from glycine 953.
Molecular consequence: frameshift variant.
Genome position: GRCh38: chr11:47,335,090-47,335,091. GRCh37 (hg19): chr11:47,356,641-47,356,642.
Other names: short protein forms G953fs.
Identifiers: ClinVar variation 1456628 (VCV001456628.6), dbSNP rs2142852868, ClinGen allele CA2573146374.

ClinVar aggregate classification (germline): Pathogenic (1 of 4 stars; one submission).

Conditions:
Hypertrophic cardiomyopathy. Also called: HYPERTROPHIC MYOCARDIOPATHY. Identifiers: Orphanet 217569, MedGen C0007194, MeSH D002312, MONDO:0005045, HP:0001639.

Submission:

Labcorp Genetics (formerly Invitae), Labcorp
Classification: Pathogenic for Hypertrophic cardiomyopathy. Last evaluated: 2021-12-14. Review status: criteria provided, single submitter. Criteria: Invitae Variant Classification Sherloc (09022015). Collection method: clinical testing. Allele origin: germline.
Comment: For these reasons, this variant has been classified as Pathogenic. Algorithms developed to predict the effect of sequence changes on RNA splicing suggest that this variant may create or strengthen a splice site. This variant has not been reported in the literature in individuals affected with MYBPC3-related conditions. This variant is not present in population databases (gnomAD no frequency). This sequence change creates a premature translational stop signal (p.Gly953Alafs*43) in the MYBPC3 gene. It is expected to result in an absent or disrupted protein product. Loss-of-function variants in MYBPC3 are known to be pathogenic (PMID: 19574547).

Literature cited by the submitters: PubMed 19574547.